The following is an entry in ClinVar:

ClinVar aggregate classification (germline): Conflicting classifications of pathogenicity. Review status: criteria provided, conflicting classifications (1 of 4 stars). 8 submissions from 8 submitters: Uncertain significance (3); Benign (1); Likely benign (3). 1 of the submissions does not count toward it. Last evaluated 2025-12-23.

Conditions:
Tuberous sclerosis syndrome (TSC). Also called: Tuberous Sclerosis Complex; Tuberous sclerosis. Identifiers: Orphanet 805, MedGen C0041341, MONDO:0001734.
Tuberous sclerosis 2 (TSC2). Identifiers: Orphanet 805, MedGen C1860707, MONDO:0013199, OMIM 613254.
Lymphangiomyomatosis (LAM). Also called: Lymphangioleiomyomatosis; Lymphangioleiomyomatosis, somatic. Identifiers: Orphanet 538, MedGen C0751674, MONDO:0011705, OMIM 606690.
Isolated focal cortical dysplasia type II (FCORD2). Also called: Focal cortical dysplasia type II; CORTICAL DYSPLASIA OF TAYLOR. Identifiers: Orphanet 268994, MedGen C1846385, MONDO:0011818, OMIM 607341, HP:0032051.
TSC2-related disorder. Also called: TSC2-Related Disorders; TSC2-related condition.
Hereditary cancer-predisposing syndrome. Also called: Neoplastic Syndromes, Hereditary; Hereditary Cancer Syndrome; Tumor predisposition; Hereditary neoplastic syndrome. Identifiers: Orphanet 140162, MedGen C0027672, MeSH D009386, MONDO:0015356.

Allele frequency attached by ClinVar (database versions not stated): gnomAD exomes 0.00001 and 0.00003; TOPMed 0.00001; gnomAD 0.00002; ExAC 0.00007.
gnomAD v4.1: 13 of 1,612,848 alleles (0.00081%); highest among the groups gnomAD compares: Admixed American, 0.0017%; no homozygotes.

Submissions (9):

Labcorp Genetics (formerly Invitae), Labcorp
Classification: Likely benign for Tuberous sclerosis 2. Last evaluated: 2025-12-23. Review status: criteria provided, single submitter. Criteria: Invitae Variant Classification Sherloc (09022015). Collection method: clinical testing. Allele origin: germline.

Color Diagnostics, LLC DBA Color Health
Classification: Uncertain significance for Tuberous sclerosis syndrome. Last evaluated: 2025-07-30. Review status: criteria provided, single submitter. Criteria: ACMG Guidelines, 2015. Collection method: clinical testing. Allele origin: germline.
Comment: This missense variant replaces serine with cysteine at codon 983 of the TSC2 protein. Computational prediction is inconclusive regarding the impact of this variant on protein structure and function. To our knowledge, functional studies have not been reported for this variant. This variant has not been reported in individuals affected with TSC2-related disorders in the literature. This variant has been identified in 8/250498 chromosomes in the general population by the Genome Aggregation Database (gnomAD). The available evidence is insufficient to determine the role of this variant in disease conclusively. Therefore, this variant is classified as a Variant of Uncertain Significance.

Myriad Genetics, Inc.
Classification: Likely benign for Tuberous sclerosis 2. Last evaluated: 2025-05-27. Review status: criteria provided, single submitter. Criteria: Myriad Autosomal Dominant, Autosomal Recessive and X-Linked Classification Criteria (2023). Collection method: clinical testing. Allele origin: unknown.
Comment: This variant is considered likely benign. This variant has been observed at a population frequency that is significantly greater than expected given the associated disease prevalence and penetrance.

Ambry Genetics
Classification: Uncertain significance for Hereditary cancer-predisposing syndrome. Last evaluated: 2024-11-27. Review status: criteria provided, single submitter. Criteria: Ambry Variant Classification Scheme 2023. Collection method: clinical testing. Allele origin: germline.
Comment: The p.S983C variant (also known as c.2948C>G), located in coding exon 25 of the TSC2 gene, results from a C to G substitution at nucleotide position 2948. The serine at codon 983 is replaced by cysteine, an amino acid with dissimilar properties. This amino acid position is highly conserved in available vertebrate species. In addition, this alteration is predicted to be deleterious by in silico analysis. Based on the available evidence, the clinical significance of this variant remains unclear.

Genome-Nilou Lab
Classification: Benign for Tuberous sclerosis 2. Last evaluated: 2021-11-07. Review status: criteria provided, single submitter. Criteria: ACMG Guidelines, 2015. Collection method: clinical testing. Allele origin: germline. Affected: no.

GeneDx
Classification: Likely benign. Last evaluated: 2020-12-11. Review status: criteria provided, single submitter. Criteria: GeneDx Variant Classification Process June 2021. Collection method: clinical testing. Allele origin: germline. Affected: yes.

Department of Pathology and Laboratory Medicine, Sinai Health System
Classification: Uncertain significance for Lymphangiomyomatosis; Isolated focal cortical dysplasia type II; Tuberous sclerosis 2. Last evaluated: 2020-06-25. Review status: criteria provided, single submitter. Criteria: ACMG Guidelines, 2015. Collection method: research. Allele origin: germline.

PreventionGenetics, part of Exact Sciences
Classification: Likely benign for TSC2-related condition. Last evaluated: 2023-12-18. Review status: no assertion criteria provided. Collection method: clinical testing. Allele origin: germline. Not counted in ClinVar's aggregate classification.
Comment: This variant is classified as likely benign based on ACMG/AMP sequence variant interpretation guidelines (Richards et al. 2015 PMID: 25741868, with internal and published modifications).

Dr. Peter K. Rogan Lab, Western University
No classification provided (evidence only). Condition: Ovarian serous cystadenocarcinoma. Review status: no classification provided. Collection method: in vitro. Allele origin: not applicable. Functional consequence: retained intron. Not counted in ClinVar's aggregate classification.

NM_000548.5(TSC2):c.2948C>G (p.Ser983Cys)

Gene: TSC2 (TSC complex subunit 2; plus strand). Cytogenetic location: 16p13.3.
Variant type: single nucleotide variant.
Coding change: c.2948C>G on transcript NM_000548.5 (MANE Select); coding-DNA position 2948, C replaced by G.
Protein change: p.Ser983Cys; replaces serine 983 with cysteine.
Molecular consequence: missense variant. On other transcripts: intron variant (9).
Genome position (GRCh38, 1-based): chr16:2,077,708, C>G. VCF-style: chr16-2077708-C-G. GRCh37 (hg19) VCF-style: chr16-2127709-C-G.
Other names: c.2948C>G, p.Ser983Cys (NM_001114382.3); c.2837+1123C>G (NM_021055.3, NM_001370405.1, NM_001363528.2 and 2 more transcripts); c.2726+1123C>G (NM_001318827.2); c.2237+1123C>G (NM_001318831.2); c.2690+1123C>G (NM_001318829.2); c.2870+1123C>G (NM_001318832.2); c.2948C>G (NM_000548.4); short protein forms S983C.
Identifiers: ClinVar variation 582899 (VCV000582899.25), dbSNP rs759786102, ClinGen allele CA042975.